The following is an entry in ClinVar:

ClinVar aggregate classification (germline): Pathogenic (0 of 4 stars; one submission).

Conditions:
BCOR-related disorder. Also called: BCOR-related disorders; BCOR-related condition.

Submission:

PreventionGenetics, part of Exact Sciences
Classification: Pathogenic for BCOR-related condition. Last evaluated: 2024-09-05. Review status: no assertion criteria provided. Collection method: clinical testing. Allele origin: germline.
Comment: The BCOR c.3090_3093dupAAGA variant is predicted to result in a frameshift and premature protein termination (p.Glu1032Lysfs*48). To our knowledge, this variant has not been reported in the literature or in a large population database, indicating this variant is rare. Frameshift variants in BCOR are expected to be pathogenic. This variant is interpreted as pathogenic.

NM_001123385.2(BCOR):c.3090_3093dup (p.Glu1032fs)

Gene: BCOR (BCL6 corepressor; minus strand). Cytogenetic location: Xp11.4.
Variant type: Microsatellite.
Coding change: c.3090_3093dup on transcript NM_001123385.2 (MANE Select); coding-DNA positions 3090 to 3093, 4 bases duplicated (AAGA; older notation c.3090_3093dupAAGA).
Protein change: p.Glu1032fs; shifts the reading frame from glutamic acid 1032.
Molecular consequence: frameshift variant.
Genome position (GRCh38, 1-based): chrX:40,071,118-40,071,121, TCTT duplicated on the plus strand (AAGA on the coding strand, the reverse complement: BCOR is on the minus strand); duplicating any 4 consecutive bases within chrX:40,071,118-40,071,127 gives the same sequence; the c. name uses the placement nearest the transcript's 3' end. VCF-style (leftmost placement, unchanged base first): chrX-40071117-C-CTCTT. GRCh37 (hg19) VCF-style: chrX-39930370-C-CTCTT.
Other names: c.3084_3087GAAA[3], p.Glu1032Lysfs (NM_001123383.2); c.3036_3039dup, p.Glu1014fs (NM_001123384.2); c.3090_3093dup, p.Glu1032fs (NM_017745.6); c.3090_3093dupAAGA (NM_001123383.1); short protein forms E1014fs, E1032fs.
Identifiers: ClinVar variation 3358305 (VCV003358305.1).